The following is an entry in ClinVar:

NM_005257.6(GATA6):c.1481_1487del (p.Lys494fs)

Gene: GATA6 (GATA binding protein 6; plus strand). Cytogenetic location: 18q11.2.
Variant type: Deletion.
Coding change: c.1481_1487del on transcript NM_005257.6 (MANE Select); coding-DNA positions 1481 to 1487, 7 bases deleted (AACCTAA; older notation c.1481_1487delAACCTAA).
Protein change: p.Lys494fs; shifts the reading frame from lysine 494.
Molecular consequence: frameshift variant.
Genome position (GRCh38, 1-based): chr18:22,182,809-22,182,815, AACCTAA deleted; deleting any 7 consecutive bases within chr18:22,182,807-22,182,815 gives the same sequence; the c. name uses the placement nearest the transcript's 3' end. VCF-style (leftmost placement, unchanged base first): chr18-22182806-GAAAACCT-G. GRCh37 (hg19) VCF-style: chr18-19762767-GAAAACCT-G.
Other names: short protein forms K494fs.
Identifiers: ClinVar variation 4689815 (VCV004689815.1).
Genomic context (GRCh38, chr18:22,182,806, plus strand): 5'-AAATTTTTTAGGTGCCCAGACCACTTGCTATGAAAAAAGAGGGAATTCAAACCAGGAAAC[GAAAACCT>G]AAGAACATAAATAAATCAAAGACTTGCTCTGGTAAATATACTAAAATGACGTTTGACTGT-3'

ClinVar aggregate classification (germline): Pathogenic (1 of 4 stars; one submission).

Submission:

GeneDx
Classification: Pathogenic. Last evaluated: 2025-07-27. Review status: criteria provided, single submitter. Criteria: GeneDx Variant Classification Process June 2021. Collection method: clinical testing. Allele origin: germline. Affected: yes.
Comment: Identified by whole exome sequencing in a newborn with congenital diaphragmatic hernia (PMID: 32719394); Frameshift variant predicted to result in protein truncation or nonsense mediated decay in a gene for which loss of function is a known mechanism of disease; Not observed at significant frequency in large population cohorts (gnomAD); This variant is associated with the following publications: (PMID: 36757698, 32719394)